The following is an entry in ClinVar:

NM_018124.4(RFWD3):c.995A>G (p.Lys332Arg)

Gene: RFWD3 (ring finger and WD repeat domain 3; minus strand). Cytogenetic location: 16q23.1.
Variant type: single nucleotide variant.
Coding change: c.995A>G on transcript NM_018124.4 (MANE Select); coding-DNA position 995, A replaced by G.
Protein change: p.Lys332Arg; replaces lysine 332 with arginine.
Molecular consequence: missense variant.
Genome position (GRCh38, 1-based): chr16:74,644,446, T>C on the plus strand (A>G on the coding strand, the complement: RFWD3 is on the minus strand). VCF-style: chr16-74644446-T-C. GRCh37 (hg19) VCF-style: chr16-74678344-T-C.
Other names: c.995A>G, p.Lys332Arg (NM_001370534.1, NM_001370535.1, NM_001370536.1); c.161A>G, p.Lys54Arg (NM_001370537.1, NM_001370539.1, NM_001370540.1 and 3 more transcripts); short protein forms K332R, K54R.
Identifiers: ClinVar variation 1981229 (VCV001981229.4), dbSNP rs747206941, ClinGen allele CA283752757.
Genomic context (GRCh38, chr16:74,644,446, plus strand): 5'-GTGTCCAAAGCTCTCAGGGTTCGGGCATAAAGGACGACAATGTCACTGTGCCTGGCTTTC[T>C]TGTTGCACTAAAGAACCCAATAGGACATAATTAGAGTGGTTCTAGGAATCTGCCTGACTT-3'
Protein context (NP_060594.3, residues 322-342): GQVRKCPQCN[Lys332Arg]KARHSDIVVL

ClinVar aggregate classification (germline): Uncertain significance (1 of 4 stars; one submission).

Allele frequency attached by ClinVar (database versions not stated): gnomAD 0.00001; TOPMed 0.00001.
gnomAD v4.1: 8 of 1,614,146 alleles (0.0005%); highest among the groups gnomAD compares: African/African-American, 0.004%; no homozygotes.

Submission:

Labcorp Genetics (formerly Invitae), Labcorp
Classification: Uncertain significance. Last evaluated: 2025-03-31. Review status: criteria provided, single submitter. Criteria: Invitae Variant Classification Sherloc (09022015). Collection method: clinical testing. Allele origin: germline.
Comment: This sequence change replaces lysine, which is basic and polar, with arginine, which is basic and polar, at codon 332 of the RFWD3 protein (p.Lys332Arg). This variant is present in population databases (no rsID available, gnomAD 0.004%). This variant has not been reported in the literature in individuals affected with RFWD3-related conditions. ClinVar contains an entry for this variant (Variation ID: 1981229). An algorithm developed to predict the effect of missense changes on protein structure and function (PolyPhen-2) suggests that this variant is likely to be tolerated. In summary, the available evidence is currently insufficient to determine the role of this variant in disease. Therefore, it has been classified as a Variant of Uncertain Significance.